The following is an entry in ClinVar:

NM_001376.5(DYNC1H1):c.1032del (p.Leu344fs)

Gene: DYNC1H1 (dynein cytoplasmic 1 heavy chain 1; plus strand). Cytogenetic location: 14q32.31.
Variant type: Deletion.
Coding change: c.1032del on transcript NM_001376.5 (MANE Select); coding-DNA position 1032, one base deleted (G; older notation c.1032delG).
Protein change: p.Leu344fs; shifts the reading frame from leucine 344.
Molecular consequence: frameshift variant.
Genome position (GRCh38, 1-based): chr14:101,983,089, G deleted. VCF-style (leftmost placement, unchanged base first): chr14-101983088-TG-T. GRCh37 (hg19) VCF-style: chr14-102449425-TG-T.
Other names: short protein forms L344fs.
Identifiers: ClinVar variation 3721524 (VCV003721524.2).

ClinVar aggregate classification (germline): Uncertain significance (1 of 4 stars; one submission).

Conditions:
Charcot-Marie-Tooth disease axonal type 2O. Also called: CHARCOT-MARIE-TOOTH NEUROPATHY, AXONAL, TYPE 2O; CHARCOT-MARIE-TOOTH DISEASE, AXONAL, AUTOSOMAL DOMINANT, TYPE 2O; Charcot-Marie-Tooth Neuropathy Type 2O; Charcot-Marie-Tooth disease, axonal, type 20. Identifiers: Orphanet 284232, MedGen C3280220, MONDO:0013644, OMIM 614228.

Submission:

Labcorp Genetics (formerly Invitae), Labcorp
Classification: Uncertain significance for Charcot-Marie-Tooth disease axonal type 2O. Last evaluated: 2024-09-26. Review status: criteria provided, single submitter. Criteria: Invitae Variant Classification Sherloc (09022015). Collection method: clinical testing. Allele origin: germline.
Comment: This sequence change creates a premature translational stop signal (p.Leu344Phefs*10) in the DYNC1H1 gene. It is expected to result in an absent or disrupted protein product. However, the current clinical and genetic evidence is not sufficient to establish whether loss-of-function variants in DYNC1H1 cause disease. This variant is not present in population databases (gnomAD no frequency). This variant has not been reported in the literature in individuals affected with DYNC1H1-related conditions. In summary, the available evidence is currently insufficient to determine the role of this variant in disease. Therefore, it has been classified as a Variant of Uncertain Significance.